The following is an entry in ClinVar:

NM_000313.4(PROS1):c.-76A>C

Gene: PROS1 (protein S; minus strand). Cytogenetic location: 3q11.1.
Variant type: single nucleotide variant.
Coding change: c.-76A>C on transcript NM_000313.4 (MANE Select); 76 bases upstream of the start codon, A replaced by C.
Molecular consequence: 5 prime UTR variant.
Genome position (GRCh38, 1-based): chr3:93,973,825, T>G on the plus strand (A>C on the coding strand, the complement: PROS1 is on the minus strand). VCF-style: chr3-93973825-T-G. GRCh37 (hg19) VCF-style: chr3-93692669-T-G.
Other names: p.?; c.-76A>C (NM_001314077.2).
Identifiers: ClinVar variation 4684712 (VCV004684712.1).

ClinVar aggregate classification (germline): Likely benign (1 of 4 stars; one submission).

gnomAD v4.1: 11 of 1,263,908 alleles (0.00087%); highest among the groups gnomAD compares: Non-Finnish European, 0.0012%; no homozygotes.

Submission:

Mayo Clinic Laboratories, Mayo Clinic
Classification: Likely benign. Last evaluated: 2025-09-15. Review status: criteria provided, single submitter. Criteria: ACMG Guidelines, 2015. Collection method: clinical testing. Allele origin: germline. Observed: 1 variant allele.
Comment: BP4, BP7, PM2_supporting